The following is an entry in ClinVar:

NM_013352.4(DSE):c.1437C>G (p.Phe479Leu)

Gene: DSE (dermatan sulfate epimerase; plus strand). Cytogenetic location: 6q22.1.
Variant type: single nucleotide variant.
Coding change: c.1437C>G on transcript NM_013352.4 (MANE Select); coding-DNA position 1437, C replaced by G.
Protein change: p.Phe479Leu; replaces phenylalanine 479 with leucine.
Molecular consequence: missense variant. On other transcripts: 3 prime UTR variant (2), non-coding transcript variant (1).
Genome position (GRCh38, 1-based): chr6:116,435,905, C>G. VCF-style: chr6-116435905-C-G. GRCh37 (hg19) VCF-style: chr6-116757068-C-G.
Other names: c.1437C>G, p.Phe479Leu (NM_001080976.3, NM_001322937.2, NM_001322938.2); c.1494C>G, p.Phe498Leu (NM_001322939.2); c.876C>G, p.Phe292Leu (NM_001322940.2, NM_001322941.2); c.*302C>G (NM_001322943.2, NM_001322944.2); c.438C>G, p.Phe146Leu (NM_001374520.1); c.402C>G, p.Phe134Leu (NM_001374521.1); short protein forms F134L, F146L, F292L, F479L, F498L.
Identifiers: ClinVar variation 1443829 (VCV001443829.4), dbSNP rs757356537, ClinGen allele CA365400676.

ClinVar aggregate classification (germline): Uncertain significance (1 of 4 stars; one submission).

Conditions:
Ehlers-Danlos syndrome, musculocontractural type 2 (EDSMC2). Identifiers: Orphanet 2953, MedGen C3809845, MONDO:0014236, OMIM 615539.

gnomAD v4.1: 1 of 1,614,168 alleles (0.000062%); highest among the groups gnomAD compares: Non-Finnish European, 0.000085%; no homozygotes.

Submission:

Labcorp Genetics (formerly Invitae), Labcorp
Classification: Uncertain significance for Ehlers-Danlos syndrome, musculocontractural type 2. Last evaluated: 2022-07-26. Review status: criteria provided, single submitter. Criteria: Invitae Variant Classification Sherloc (09022015). Collection method: clinical testing. Allele origin: germline.
Comment: This variant is not present in population databases (gnomAD no frequency). In summary, the available evidence is currently insufficient to determine the role of this variant in disease. Therefore, it has been classified as a Variant of Uncertain Significance. Algorithms developed to predict the effect of missense changes on protein structure and function are either unavailable or do not agree on the potential impact of this missense change (SIFT: "Not Available"; PolyPhen-2: "Benign"; Align-GVGD: "Not Available"). ClinVar contains an entry for this variant (Variation ID: 1443829). This variant has not been reported in the literature in individuals affected with DSE-related conditions. This sequence change replaces phenylalanine with leucine at codon 479 of the DSE protein (p.Phe479Leu). The phenylalanine residue is moderately conserved and there is a small physicochemical difference between phenylalanine and leucine.